The following is an entry in ClinVar:

ClinVar aggregate classification (germline): Likely pathogenic (1 of 4 stars; one submission).

Conditions:
Cystinosis. Also called: Cystine diathesis; Cystine storage disease; Cystinoses. Identifiers: Orphanet 213, MedGen C4316899, MONDO:0016239.

Submission:

Natera, Inc.
Classification: Likely pathogenic for Cystinosis. Last evaluated: 2025-09-12. Review status: criteria provided, single submitter. Criteria: Natera Variant Classification Schema (03/2026). Collection method: clinical testing. Allele origin: germline.
Comment: The c.728_731dup variant in CTNS is a frameshift variant predicted to shift the reading frame beginning at codon 245 and leads to a stop codon 52 codons downstream. This variant is expected to result in nonsense mediated decay, truncation, or a dysfunctional protein product. This variant is rare in the general population with a frequency below the threshold expected for the associated phenotype(s). Given the available evidence, this variant is classified as Likely Pathogenic.

NM_004937.3(CTNS):c.728_731dup (p.Trp245fs)

Gene: CTNS (cystinosin, lysosomal cystine transporter; plus strand). Cytogenetic location: 17p13.2.
Variant type: Duplication.
Coding change: c.728_731dup on transcript NM_004937.3 (MANE Select); coding-DNA positions 728 to 731, 4 bases duplicated (TCGC; older notation c.728_731dupTCGC).
Protein change: p.Trp245fs; shifts the reading frame from tryptophan 245.
Molecular consequence: frameshift variant.
Genome position (GRCh38, 1-based): chr17:3,658,051-3,658,054, TCGC duplicated; duplicating any 4 consecutive bases within chr17:3,658,049-3,658,054 gives the same sequence; the c. name uses the placement nearest the transcript's 3' end. VCF-style (leftmost placement, unchanged base first): chr17-3658048-T-TGCTC. GRCh37 (hg19) VCF-style: chr17-3561342-T-TGCTC.
Other names: c.728_731dup, p.Trp245fs (NM_001031681.3, NM_001374492.1); c.287_290dup, p.Trp98fs (NM_001374493.1, NM_001374494.1, NM_001374495.1 and 1 more transcripts); short protein forms W245fs, W98fs.
Identifiers: ClinVar variation 4815402 (VCV004815402.1).